The following is an entry in ClinVar:

NM_000069.3(CACNA1S):c.3542C>T (p.Pro1181Leu)

Gene: CACNA1S (calcium voltage-gated channel subunit alpha1 S; minus strand). Cytogenetic location: 1q32.1.
Variant type: single nucleotide variant.
Coding change: c.3542C>T on transcript NM_000069.3 (MANE Select); coding-DNA position 3542, C replaced by T.
Protein change: p.Pro1181Leu; replaces proline 1181 with leucine.
Molecular consequence: missense variant.
Genome position (GRCh38, 1-based): chr1:201,058,475, G>A on the plus strand (C>T on the coding strand, the complement: CACNA1S is on the minus strand). VCF-style: chr1-201058475-G-A. GRCh37 (hg19) VCF-style: chr1-201027603-G-A.
Other names: short protein forms P1181L.
Identifiers: ClinVar variation 3761559 (VCV003761559.2).

ClinVar aggregate classification (germline): Uncertain significance (1 of 4 stars; one submission).

Conditions:
Hypokalemic periodic paralysis, type 1. Also called: Hypokalemic Periodic Paralysis Type 1 (AD); HypoPP. Identifiers: Orphanet 681, MedGen C3714580, MONDO:0042979, OMIM 170400.
Malignant hyperthermia, susceptibility to, 5 (MHS5). Also called: CACNA1S-Related Malignant Hyperthermia Susceptibility. Identifiers: Orphanet 423, MedGen C1866077, MONDO:0011163, OMIM 601887.

gnomAD v4.1: 1 of 1,614,094 alleles (0.000062%); highest among the groups gnomAD compares: Non-Finnish European, 0.000085%; no homozygotes.

Submission:

Labcorp Genetics (formerly Invitae), Labcorp
Classification: Uncertain significance for Hypokalemic periodic paralysis, type 1; Malignant hyperthermia, susceptibility to, 5. Last evaluated: 2024-06-28. Review status: criteria provided, single submitter. Criteria: Invitae Variant Classification Sherloc (09022015). Collection method: clinical testing. Allele origin: germline.
Comment: This sequence change replaces proline, which is neutral and non-polar, with leucine, which is neutral and non-polar, at codon 1181 of the CACNA1S protein (p.Pro1181Leu). This variant is present in population databases (rs144935943, gnomAD 0.0009%). This variant has not been reported in the literature in individuals affected with CACNA1S-related conditions. Advanced modeling of protein sequence and biophysical properties (such as structural, functional, and spatial information, amino acid conservation, physicochemical variation, residue mobility, and thermodynamic stability) performed at Invitae indicates that this missense variant is not expected to disrupt CACNA1S protein function with a negative predictive value of 80%. In summary, the available evidence is currently insufficient to determine the role of this variant in disease. Therefore, it has been classified as a Variant of Uncertain Significance.